The following is an entry in ClinVar:

ClinVar aggregate classification (germline): Conflicting classifications of pathogenicity. Review status: criteria provided, conflicting classifications (1 of 4 stars). 8 submissions from 7 submitters: Uncertain significance (7); Likely benign (1). Last evaluated 2026-01-11.

Conditions:
Cardiovascular phenotype. Identifiers: MedGen CN230736.
Cardiomyopathy (CMYO). Also called: Cardiomyopathies. Identifiers: Orphanet 167848, MedGen C0878544, MONDO:0004994, HP:0001638. Inheritance: Various modes of inheritance.
Catecholaminergic polymorphic ventricular tachycardia 1. Also called: VENTRICULAR TACHYCARDIA, CATECHOLAMINERGIC POLYMORPHIC, 1, WITH OR WITHOUT ATRIAL DYSFUNCTION AND/OR DILATED CARDIOMYOPATHY; VENTRICULAR TACHYCARDIA, STRESS-INDUCED POLYMORPHIC 1; RYR2-Related Catecholaminergic Polymorphic Ventricular Tachycardia. Identifiers: Orphanet 3286, MedGen C1631597, MONDO:0011484, OMIM 604772.
Arrhythmogenic right ventricular dysplasia 2. Identifiers: MedGen C1832931.
Catecholaminergic polymorphic ventricular tachycardia (CVPT). Also called: Catecholamine-induced polymorphic ventricular tachycardia. Identifiers: Orphanet 3286, MedGen C5574922, MONDO:0017990.

Allele frequency attached by ClinVar (database versions not stated): ExAC 0.00002; gnomAD exomes 0.00002 and 0.00003; TOPMed 0.00004; gnomAD 0.00005 and 0.00006.

Submissions (8):

Labcorp Genetics (formerly Invitae), Labcorp
Classification: Uncertain significance for Catecholaminergic polymorphic ventricular tachycardia 1. Last evaluated: 2026-01-11. Review status: criteria provided, single submitter. Criteria: Invitae Variant Classification Sherloc (09022015). Collection method: clinical testing. Allele origin: germline.
Comment: This sequence change replaces proline, which is neutral and non-polar, with leucine, which is neutral and non-polar, at codon 906 of the RYR2 protein (p.Pro906Leu). This variant is present in population databases (rs397516522, gnomAD 0.02%). This variant has not been reported in the literature in individuals affected with RYR2-related conditions. ClinVar contains an entry for this variant (Variation ID: 43760). An algorithm developed to predict the effect of missense changes on protein structure and function (PolyPhen-2) suggests that this variant is likely to be tolerated. In summary, the available evidence is currently insufficient to determine the role of this variant in disease. Therefore, it has been classified as a Variant of Uncertain Significance.

Blueprint Genetics
Classification: Likely benign. Last evaluated: 2024-07-16. Review status: criteria provided, single submitter. Criteria: ACMG Guidelines, 2015. Collection method: clinical testing. Allele origin: germline.

All of Us Research Program, National Institutes of Health
Classification: Uncertain significance for Catecholaminergic polymorphic ventricular tachycardia. Last evaluated: 2024-06-11. Review status: criteria provided, single submitter. Criteria: ACMG Guidelines, 2015. Collection method: clinical testing. Allele origin: germline. Inheritance: Autosomal dominant inheritance. Observed: 18 variant alleles, 18 heterozygotes.
Comment: This missense variant replaces proline with leucine at codon 906 of the RYR2 protein. Computational prediction suggests that this variant may not impact protein structure and function (internally defined REVEL score threshold <= 0.5, PMID: 27666373). To our knowledge, functional studies have not been reported for this variant. This variant has not been reported in individuals affected with RYR2-related disorders in the literature. This variant has been identified in 9/279776 chromosomes in the general population by the Genome Aggregation Database (gnomAD). The available evidence is insufficient to determine the role of this variant in disease conclusively. Therefore, this variant is classified as a Variant of Uncertain Significance.

This study involves interpretation of variants in research participants for the purpose of population health screening. Participant phenotype was not available at the time of variant classification. Additional details can be found in publication PMID: 35346344, PMCID: PMC8962531

Color Diagnostics, LLC DBA Color Health
Classification: Uncertain significance for Cardiomyopathy. Last evaluated: 2024-05-03. Review status: criteria provided, single submitter. Criteria: ACMG Guidelines, 2015. Collection method: clinical testing. Allele origin: germline.
Comment: This missense variant replaces proline with leucine at codon 906 of the RYR2 protein. Computational prediction suggests that this variant may not impact protein structure and function. To our knowledge, functional studies have not been reported for this variant. This variant has not been reported in individuals affected with RYR2-related disorders in the literature. This variant has been identified in 9/279776 chromosomes in the general population by the Genome Aggregation Database (gnomAD). The available evidence is insufficient to determine the role of this variant in disease conclusively. Therefore, this variant is classified as a Variant of Uncertain Significance.

Ambry Genetics
Classification: Uncertain significance for Cardiovascular phenotype. Last evaluated: 2020-12-24. Review status: criteria provided, single submitter. Criteria: Ambry Variant Classification Scheme 2023. Collection method: clinical testing. Allele origin: germline.

Illumina Laboratory Services, Illumina
Classification: Uncertain significance for Catecholaminergic polymorphic ventricular tachycardia 1. Last evaluated: 2019-10-18. Review status: criteria provided, single submitter. Criteria: ICSL Variant Classification Criteria 13 December 2019. Collection method: clinical testing. Allele origin: germline.

Illumina Laboratory Services, Illumina
Classification: Uncertain significance for Catecholaminergic polymorphic ventricular tachycardia 1. Last evaluated: 2019-10-18. Review status: criteria provided, single submitter. Criteria: ICSL Variant Classification Criteria 13 December 2019. Collection method: clinical testing. Allele origin: germline.
Comment: This variant was observed as part of a predisposition screen in an ostensibly healthy population. A literature search was performed for the gene, cDNA change, and amino acid change (where applicable). Publications were found based on this search. However, the evidence from the literature, in combination with allele frequency data from public databases where available, was not sufficient to rule this variant in or out of causing disease. Therefore, this variant is classified as a variant of unknown significance.

Laboratory for Molecular Medicine, Mass General Brigham Personalized Medicine
Classification: Uncertain significance. Last evaluated: 2013-05-03. Review status: criteria provided, single submitter. Criteria: LMM Criteria. Collection method: clinical testing. Allele origin: germline. Observed: 2 variant alleles.
Comment: Comp utational analyses (biochemical amino acid properties, conservation, AlignGVGD, PolyPhen2, and SIFT) do not provide strong support for or against an impact to t he protein. In addition, this variant is located in the last three bases of the exon, which is part of the 5? splice region. Computational tools do not suggest an impact to splicing, though this information is not predictive enough to rule out pathogenicity. In summary, additional information is needed to fully assess the clinical significance of this variant.

Literature cited by the submitters: PubMed 28404607 (cited by Illumina Laboratory Services, Illumina).

NM_001035.3(RYR2):c.2717C>T (p.Pro906Leu)

Gene: RYR2 (ryanodine receptor 2; plus strand). Cytogenetic location: 1q43.
Variant type: single nucleotide variant.
Coding change: c.2717C>T on transcript NM_001035.3 (MANE Select); coding-DNA position 2717, C replaced by T.
Protein change: p.Pro906Leu; replaces proline 906 with leucine.
Molecular consequence: missense variant.
Genome position (GRCh38, 1-based): chr1:237,506,813, C>T. VCF-style: chr1-237506813-C-T. GRCh37 (hg19) VCF-style: chr1-237670113-C-T.
Other names: short protein forms P906L.
Identifiers: ClinVar variation 43760 (VCV000043760.26), dbSNP rs397516522, ClinGen allele CA008932.